The following is an entry in ClinVar:

ClinVar aggregate classification (germline): Uncertain significance (1 of 4 stars; one submission).

Conditions:
Peutz-Jeghers syndrome (PJS). Also called: POLYPOSIS, HAMARTOMATOUS INTESTINAL; POLYPS-AND-SPOTS SYNDROME; Peutz-Jeghers polyposis; Periorificial lentiginosis syndrome. Identifiers: Orphanet 2869, MedGen C0031269, MeSH D010580, MONDO:0008280, OMIM 175200.

Allele frequency attached by ClinVar (database versions not stated): gnomAD exomes below 0.00001.
gnomAD v4.1: 1 of 1,565,872 alleles (0.000064%); highest among the groups gnomAD compares: Non-Finnish European, 0.000086%; no homozygotes.

Submission:

Labcorp Genetics (formerly Invitae), Labcorp
Classification: Uncertain significance for Peutz-Jeghers syndrome. Last evaluated: 2018-01-27. Review status: criteria provided, single submitter. Criteria: Invitae Variant Classification Sherloc (09022015). Collection method: clinical testing. Allele origin: germline.
Comment: This variant has not been reported in the literature in individuals with STK11-related disease. This variant is not present in population databases (ExAC no frequency). This sequence change replaces alanine with valine at codon 295 of the STK11 protein (p.Ala295Val). The alanine residue is moderately conserved and there is a small physicochemical difference between alanine and valine. Algorithms developed to predict the effect of missense changes on protein structure and function (SIFT, PolyPhen-2, Align-GVGD) all suggest that this variant is likely to be tolerated, but these predictions have not been confirmed by published functional studies and their clinical significance is uncertain. In summary, the available evidence is currently insufficient to determine the role of this variant in disease. Therefore, it has been classified as a Variant of Uncertain Significance.

NM_000455.5(STK11):c.884C>T (p.Ala295Val)

Gene: STK11 (serine/threonine kinase 11; plus strand). Cytogenetic location: 19p13.3.
Variant type: single nucleotide variant.
Coding change: c.884C>T on transcript NM_000455.5 (MANE Select); coding-DNA position 884, C replaced by T.
Protein change: p.Ala295Val; replaces alanine 295 with valine.
Molecular consequence: missense variant.
Genome position (GRCh38, 1-based): chr19:1,221,970, C>T. VCF-style: chr19-1221970-C-T. GRCh37 (hg19) VCF-style: chr19-1221969-C-T.
Other names: short protein forms A295V.
Identifiers: ClinVar variation 574991 (VCV000574991.8), dbSNP rs866664820, ClinGen allele CA402951221.